The following is an entry in ClinVar:

ClinVar aggregate classification (germline): Uncertain significance (1 of 4 stars; one submission).

Conditions:
Cohen syndrome (COH1). Also called: Cutis verticis gyrata, retinitis pigmentosa, and sensorineural deafness; PEPPER SYNDROME. Identifiers: Orphanet 193, MedGen C0265223, MONDO:0008999, OMIM 216550.

Submission:

Labcorp Genetics (formerly Invitae), Labcorp
Classification: Uncertain significance for Cohen syndrome. Last evaluated: 2022-02-02. Review status: criteria provided, single submitter. Criteria: Invitae Variant Classification Sherloc (09022015). Collection method: clinical testing. Allele origin: germline.
Comment: This sequence change replaces serine, which is neutral and polar, with arginine, which is basic and polar, at codon 2450 of the VPS13B protein (p.Ser2450Arg). This variant is not present in population databases (gnomAD no frequency). This variant has not been reported in the literature in individuals affected with VPS13B-related conditions. Algorithms developed to predict the effect of missense changes on protein structure and function are either unavailable or do not agree on the potential impact of this missense change (SIFT: "Not Available"; PolyPhen-2: "Possibly Damaging"; Align-GVGD: "Not Available"). In summary, the available evidence is currently insufficient to determine the role of this variant in disease. Therefore, it has been classified as a Variant of Uncertain Significance.

NM_152564.5(VPS13B):c.7273A>C (p.Ser2425Arg)

Gene: VPS13B (vacuolar protein sorting 13 homolog B; plus strand). Cytogenetic location: 8q22.2.
Variant type: single nucleotide variant.
Coding change: c.7273A>C on transcript NM_152564.5 (MANE Select); coding-DNA position 7273, A replaced by C.
Protein change: p.Ser2425Arg; replaces serine 2425 with arginine.
Molecular consequence: missense variant.
Genome position (GRCh38, 1-based): chr8:99,776,800, A>C. VCF-style: chr8-99776800-A-C. GRCh37 (hg19) VCF-style: chr8-100789028-A-C.
Other names: c.7348A>C, p.Ser2450Arg (NM_017890.5); short protein forms S2450R, S2425R.
Identifiers: ClinVar variation 2091761 (VCV002091761.3), dbSNP rs2491829840, ClinGen allele CA371875588.